The following is an entry in ClinVar:

ClinVar aggregate classification (germline): Pathogenic (1 of 4 stars; one submission).

Submission:

Labcorp Genetics (formerly Invitae), Labcorp
Classification: Pathogenic. Last evaluated: 2025-12-01. Review status: criteria provided, single submitter. Criteria: Invitae Variant Classification Sherloc (09022015). Collection method: clinical testing. Allele origin: germline.
Comment: This sequence change creates a premature translational stop signal (p.Glu1318*) in the COL2A1 gene. It is expected to result in an absent or disrupted protein product. Loss-of-function variants in COL2A1 are known to be pathogenic (PMID: 20179744). This variant is not present in population databases (gnomAD no frequency). This variant has not been reported in the literature in individuals affected with COL2A1-related conditions. For these reasons, this variant has been classified as Pathogenic.

Literature cited by the submitters: PubMed 20179744.

NM_001844.5(COL2A1):c.3952G>T (p.Glu1318Ter)

Gene: COL2A1 (collagen type II alpha 1 chain; minus strand). Cytogenetic location: 12q13.11.
Variant type: single nucleotide variant.
Coding change: c.3952G>T on transcript NM_001844.5 (MANE Select); coding-DNA position 3952, G replaced by T.
Protein change: p.Glu1318Ter; replaces glutamic acid 1318 with a stop codon.
Molecular consequence: nonsense.
Genome position (GRCh38, 1-based): chr12:47,974,797, C>A on the plus strand (G>T on the coding strand, the complement: COL2A1 is on the minus strand). VCF-style: chr12-47974797-C-A. GRCh37 (hg19) VCF-style: chr12-48368580-C-A.
Other names: c.3745G>T, p.Glu1249Ter (NM_033150.3); short protein forms E1318*, E1249*.
Identifiers: ClinVar variation 4732354 (VCV004732354.1).